The following is an entry in ClinVar:

NM_001042492.3(NF1):c.4332G>T (p.Lys1444Asn)

Gene: NF1 (neurofibromin 1; plus strand). Cytogenetic location: 17q11.2.
Variant type: single nucleotide variant.
Coding change: c.4332G>T on transcript NM_001042492.3 (MANE Select); coding-DNA position 4332, G replaced by T.
Protein change: p.Lys1444Asn; replaces lysine 1444 with asparagine.
Molecular consequence: missense variant.
Genome position (GRCh38, 1-based): chr17:31,258,502, G>T. VCF-style: chr17-31258502-G-T. GRCh37 (hg19) VCF-style: chr17-29585520-G-T.
Other names: c.4269G>T, p.Lys1423Asn (NM_000267.4); short protein forms K1423N, K1444N.
Identifiers: ClinVar variation 68345 (VCV000068345.10), dbSNP rs199474750, ClinGen allele CA219562.

ClinVar aggregate classification (germline): Pathogenic/Likely pathogenic. Review status: criteria provided, multiple submitters, no conflicts (2 of 4 stars). 3 submissions from 3 submitters: Pathogenic (1); Likely pathogenic (1). 1 of the submissions does not count toward it. Last evaluated 2023-11-11.

Conditions:
Neurofibromatosis, type 1 (NF1). Also called: Peripheral type neurofibromatosis; VON RECKLINGHAUSEN DISEASE; NEUROFIBROMATOSIS, TYPE I, SOMATIC; Neurofibromatosis, type I. Identifiers: Orphanet 636, MedGen C0027831, MONDO:0018975, OMIM 162200. Disease mechanism: loss of function.

Submissions (3):

Labcorp Genetics (formerly Invitae), Labcorp
Classification: Pathogenic for Neurofibromatosis, type 1. Last evaluated: 2023-11-11. Review status: criteria provided, single submitter. Criteria: Invitae Variant Classification Sherloc (09022015). Collection method: clinical testing. Allele origin: germline.
Comment: This sequence change replaces lysine, which is basic and polar, with asparagine, which is neutral and polar, at codon 1423 of the NF1 protein (p.Lys1423Asn). RNA analysis indicates that this missense change induces altered splicing and likely results in a shortened protein product. This variant is not present in population databases (gnomAD no frequency). This missense change has been observed in individual(s) with neurofibromatosis type 1 (PMID: 15146469, 31595648). ClinVar contains an entry for this variant (Variation ID: 68345). An algorithm developed to predict the effect of missense changes on protein structure and function (PolyPhen-2) suggests that this variant is likely to be disruptive. Variants that disrupt the consensus splice site are a relatively common cause of aberrant splicing (PMID: 17576681, 9536098). Studies have shown that this missense change results in skipping of exon 31, but is expected to preserve the integrity of the reading-frame (PMID: 31595648). This variant disrupts the c.4269G nucleotide in the NF1 gene. Other variant(s) that disrupt this nucleotide have been determined to be pathogenic (PMID: 18546366; Invitae). This suggests that this nucleotide is clinically significant, and that variants that disrupt this position are likely to be disease-causing. For these reasons, this variant has been classified as Pathogenic.

GeneDx
Classification: Likely pathogenic. Last evaluated: 2023-09-18. Review status: criteria provided, single submitter. Criteria: GeneDx Variant Classification Process June 2021. Collection method: clinical testing. Allele origin: germline. Affected: yes.
Comment: Located at the last nucleotide of the exon and predicted to result in abnormal splicing leading to an in-frame deletion of exon 31; Not observed at significant frequency in large population cohorts (gnomAD); Observed in individuals with Neurofibromatosis type 1 referred for genetic testing at GeneDx and in the published literature (De Luca et al., 2003); This variant is associated with the following publications: (PMID: 25525159, 29804243, 15146469, 29673180, 31595648, 25486365, 22807134, 12552569)

UniProtKB/Swiss-Prot
No classification provided. Review status: no classification provided. Collection method: not provided. Allele origin: not provided. Not counted in ClinVar's aggregate classification.

Literature cited by the submitters: PubMed 15146469 (cited by Labcorp Genetics (formerly Invitae), Labcorp); PubMed 31595648 (cited by Labcorp Genetics (formerly Invitae), Labcorp); PubMed 17576681 (cited by Labcorp Genetics (formerly Invitae), Labcorp); PubMed 9536098 (cited by Labcorp Genetics (formerly Invitae), Labcorp); PubMed 18546366 (cited by Labcorp Genetics (formerly Invitae), Labcorp).